The following is an entry in ClinVar:

NM_001382567.1(STIM1):c.1063C>G (p.His355Asp)

Gene: STIM1 (stromal interaction molecule 1; plus strand). Cytogenetic location: 11p15.4.
Variant type: single nucleotide variant.
Coding change: c.1063C>G on transcript NM_001382567.1 (MANE Select); coding-DNA position 1063, C replaced by G.
Protein change: p.His355Asp; replaces histidine 355 with aspartic acid.
Molecular consequence: missense variant. On other transcripts: non-coding transcript variant (2).
Genome position (GRCh38, 1-based): chr11:4,082,277, C>G. VCF-style: chr11-4082277-C-G. GRCh37 (hg19) VCF-style: chr11-4103507-C-G.
Other names: c.1063C>G, p.His355Asp (NM_001277961.3, NM_001277962.2, NM_001382568.1 and 1 more transcripts); c.841C>G, p.His281Asp (NM_001382566.1, NM_001382573.1, NM_001382575.1 and 4 more transcripts); c.928C>G, p.His310Asp (NM_001382569.1); c.835C>G, p.His279Asp (NM_001382570.1); c.583C>G, p.His195Asp (NM_001382571.1); c.574C>G, p.His192Asp (NM_001382580.1, NM_001382581.1); short protein forms H192D, H195D, H310D, H279D, H355D, H281D.
Identifiers: ClinVar variation 2067073 (VCV002067073.4), dbSNP rs2094469160, ClinGen allele CA379192557.
Genomic context (GRCh38, chr11:4,082,277, plus strand): 5'-CTAGAATCTCACAGCTCATGGTATGCTCCAGAGGCCCTTCAGAAGTGGCTGCAGCTGACA[C>G]ATGAGGTGGAGGTGCAATATTACAACATCAAGAAGCAAAATGCTGAGAAGCAGCTGCTGG-3'
Protein context (NP_001369496.1, residues 345-365): EALQKWLQLT[His355Asp]EVEVQYYNIK

ClinVar aggregate classification (germline): Uncertain significance (1 of 4 stars; one submission).

Conditions:
Stormorken syndrome (STRMK). Also called: THROMBOCYTOPATHY, ASPLENIA, AND MIOSIS. Identifiers: Orphanet 3204, MedGen C1861451, MONDO:0008497, OMIM 185070.
Combined immunodeficiency due to STIM1 deficiency. Also called: IMMUNODEFICIENCY 10; STIM1 DEFICIENCY. Identifiers: Orphanet 169090, Orphanet 317430, MedGen C2748557, MONDO:0013008, OMIM 612783.
Myopathy with tubular aggregates (TAM). Also called: Tubular Aggregate Myopathy. Identifiers: Orphanet 2593, MedGen C0410207, MONDO:0008051.

Submission:

Labcorp Genetics (formerly Invitae), Labcorp
Classification: Uncertain significance for Myopathy with tubular aggregates; Combined immunodeficiency due to STIM1 deficiency; Stormorken syndrome. Last evaluated: 2022-07-19. Review status: criteria provided, single submitter. Criteria: Invitae Variant Classification Sherloc (09022015). Collection method: clinical testing. Allele origin: germline.
Comment: In summary, the available evidence is currently insufficient to determine the role of this variant in disease. Therefore, it has been classified as a Variant of Uncertain Significance. Algorithms developed to predict the effect of missense changes on protein structure and function are either unavailable or do not agree on the potential impact of this missense change (SIFT: "Tolerated"; PolyPhen-2: "Probably Damaging"; Align-GVGD: "Class C0"). This variant has not been reported in the literature in individuals affected with STIM1-related conditions. This variant is not present in population databases (gnomAD no frequency). This sequence change replaces histidine, which is basic and polar, with aspartic acid, which is acidic and polar, at codon 355 of the STIM1 protein (p.His355Asp).